The following is an entry in ClinVar:

NM_005476.7(GNE):c.1246G>A (p.Gly416Arg)

Gene: GNE (glucosamine (UDP-N-acetyl)-2-epimerase/N-acetylmannosamine kinase; minus strand). Cytogenetic location: 9p13.3.
Variant type: single nucleotide variant.
Coding change: c.1246G>A on transcript NM_005476.7 (MANE Select); coding-DNA position 1246, G replaced by A.
Protein change: p.Gly416Arg; replaces glycine 416 with arginine.
Molecular consequence: missense variant.
Genome position (GRCh38, 1-based): chr9:36,227,283, C>T on the plus strand (G>A on the coding strand, the complement: GNE is on the minus strand). VCF-style: chr9-36227283-C-T. GRCh37 (hg19) VCF-style: chr9-36227280-C-T.
Other names: c.1339G>A, p.Gly447Arg (NM_001128227.3); c.1246G>A, p.Gly416Arg (NM_001190383.3); c.916G>A, p.Gly306Arg (NM_001190384.3); c.1069G>A, p.Gly357Arg (NM_001190388.2, NM_001374798.1); c.1093G>A, p.Gly365Arg (NM_001374797.1); short protein forms G447R, G416R, G306R, G357R, G365R.
Identifiers: ClinVar variation 286604 (VCV000286604.15), dbSNP rs866841518, ClinGen allele CA10605519.

ClinVar aggregate classification (germline): Uncertain significance. Review status: criteria provided, multiple submitters, no conflicts (2 of 4 stars). 6 submissions from 6 submitters: Uncertain significance (5). 1 of the submissions does not count toward it. Last evaluated 2026-01-19.

Conditions:
Sialuria. Also called: Sialic Acid Storage Disease; SIALURIA, FRENCH TYPE. Identifiers: Orphanet 3166, MedGen C0342853, MONDO:0010028, OMIM 269921.
GNE myopathy (NM). Also called: MYOPATHY, DISTAL, WITH OR WITHOUT RIMMED VACUOLES; IBM 2; Inclusion body myopathy autosomal recessive; Inclusion body myopathy quadriceps sparing; NONAKA DISTAL MYOPATHY; INCLUSION BODY MYOPATHY, HEREDITARY, AUTOSOMAL RECESSIVE. Identifiers: Orphanet 602, MedGen C1853926, MONDO:0011603, OMIM 605820.
Thrombocytopenia 12 with or without myopathy (THC12). Identifiers: MedGen C5935593, MONDO:0958325, OMIM 620757.

Allele frequency attached by ClinVar (database versions not stated): gnomAD exomes below 0.00001; gnomAD 0.00002; TOPMed 0.00002.

Submissions (6):

3billion
Classification: Uncertain significance for Thrombocytopenia 12 with or without myopathy. Last evaluated: 2026-01-19. Review status: criteria provided, single submitter. Criteria: ACMG Guidelines, 2015. Collection method: clinical testing. Allele origin: germline. Affected: yes.
Comment: The variant is observed at an extremely low frequency in the gnomAD v4.1.0 dataset (total allele frequency: <0.001%). Predicted Consequence/Location: Missense variant In silico tool predictions suggest damaging effect of the variant on gene or gene product [REVEL: 0.84 (>=0.6, sensitivity 0.68 and specificity 0.92); 3Cnet: 0.77 (> 0.75, sensitivity 0.96 and precision 0.92)]. The variant has been reported as of uncertain significance (ClinVar ID: VCV000286604; PMID: 27479822; 3billion dataset). Therefore, this variant is classified as VUS according to the recommendation of ACMG/AMP guideline.

Labcorp Genetics (formerly Invitae), Labcorp
Classification: Uncertain significance for Sialuria; GNE myopathy. Last evaluated: 2025-05-06. Review status: criteria provided, single submitter. Criteria: Invitae Variant Classification Sherloc (09022015). Collection method: clinical testing. Allele origin: germline.
Comment: This sequence change replaces glycine, which is neutral and non-polar, with arginine, which is basic and polar, at codon 447 of the GNE protein (p.Gly447Arg). This variant is present in population databases (no rsID available, gnomAD 0.007%). This variant has not been reported in the literature in individuals affected with GNE-related conditions. ClinVar contains an entry for this variant (Variation ID: 286604). Invitae Evidence Modeling of protein sequence and biophysical properties (such as structural, functional, and spatial information, amino acid conservation, physicochemical variation, residue mobility, and thermodynamic stability) has been performed for this missense variant. However, the output from this modeling did not meet the statistical confidence thresholds required to predict the impact of this variant on GNE protein function. In summary, the available evidence is currently insufficient to determine the role of this variant in disease. Therefore, it has been classified as a Variant of Uncertain Significance.

Clinical Genetics Laboratory, Skane University Hospital Lund
Classification: Uncertain significance. Last evaluated: 2023-11-06. Review status: criteria provided, single submitter. Criteria: ACMG Guidelines, 2015. Collection method: clinical testing. Allele origin: germline. Affected: yes.

Women's Health and Genetics/Laboratory Corporation of America, LabCorp
Classification: Uncertain significance. Last evaluated: 2022-03-03. Review status: criteria provided, single submitter. Criteria: LabCorp Variant Classification Summary - May 2015. Collection method: clinical testing. Allele origin: germline.
Comment: Variant summary: GNE c.1339G>A (p.Gly447Arg) results in a non-conservative amino acid change in the encoded protein sequence. Five of five in-silico tools predict a damaging effect of the variant on protein function. The variant allele was found at a frequency of 4e-06 in 251458 control chromosomes. The available data on variant occurrences in the general population are insufficient to allow any conclusion about variant significance. c.1339G>A has been reported in the literature as a homozygous genotype in an individual who was diagnosed with a platelet-disorder due to a causative variant in the ETV6 gene (c.1288C>T, p.Arg430Ter), supporting an alternative molecular basis and etiology of disease unrelated to GNE-related Inclusion Body Myopathy 2 (example, Almazni_2020). These report(s) do not provide unequivocal conclusions about association of the variant with Inclusion Body Myopathy 2. To our knowledge, no experimental evidence demonstrating an impact on protein function has been reported. Two clinical diagnostic laboratories have submitted clinical-significance assessments for this variant to ClinVar after 2014 without evidence for independent evaluation. All laboratories classified the variant as uncertain significance. Based on the evidence outlined above, the variant was classified as uncertain significance.

Eurofins Ntd Llc (ga)
Classification: Uncertain significance. Last evaluated: 2016-03-23. Review status: criteria provided, single submitter. Criteria: EGL Classification Definitions 2015. Collection method: clinical testing. Allele origin: germline. Observed: 1 variant allele, 1 heterozygote.

Counsyl
Classification: Uncertain significance for GNE myopathy. Last evaluated: 2017-07-25. Review status: no assertion criteria provided. Collection method: clinical testing. Allele origin: unknown. Not counted in ClinVar's aggregate classification.

Literature cited by the submitters: PubMed 32935436 (cited by Women's Health and Genetics/Laboratory Corporation of America, LabCorp); PubMed 27479822 (cited by Counsyl).